The following is an entry in ClinVar:

NM_003673.4(TCAP):c.480G>A (p.Met160Ile)

Gene: TCAP (titin-cap; plus strand). Cytogenetic location: 17q12.
Variant type: single nucleotide variant.
Coding change: c.480G>A on transcript NM_003673.4 (MANE Select); coding-DNA position 480, G replaced by A.
Protein change: p.Met160Ile; replaces methionine 160 with isoleucine.
Molecular consequence: missense variant.
Genome position (GRCh38, 1-based): chr17:39,666,085, G>A. VCF-style: chr17-39666085-G-A. GRCh37 (hg19) VCF-style: chr17-37822338-G-A.
Other names: p.Met160Ile; short protein forms M160I.
Identifiers: ClinVar variation 430120 (VCV000430120.19), dbSNP rs755395354, ClinGen allele CA8532917.

ClinVar aggregate classification (germline): Uncertain significance. Review status: criteria provided, multiple submitters, no conflicts (2 of 4 stars). 6 submissions from 6 submitters: Uncertain significance (6). Last evaluated 2026-07-14.

Conditions:
TCAP-related disorder. Also called: TCAP-related condition.
Primary familial hypertrophic cardiomyopathy (HCM). Identifiers: Orphanet 99739, MedGen C0949658, MeSH D024741, MONDO:0024573. Inheritance: Various modes of inheritance.
Hypertrophic cardiomyopathy 25 (CMH25). Also called: CARDIOMYOPATHY, FAMILIAL HYPERTROPHIC, 25. Identifiers: MedGen C4225408, MONDO:0011843, OMIM 607487.
Cardiovascular phenotype. Identifiers: MedGen CN230736.
Cardiomyopathy (CMYO). Also called: Cardiomyopathies. Identifiers: Orphanet 167848, MedGen C0878544, MONDO:0004994, HP:0001638. Inheritance: Various modes of inheritance.

Allele frequency attached by ClinVar (database versions not stated): gnomAD exomes 0.00001 and 0.00002; ExAC 0.00002; gnomAD 0.00004 and 0.00006; TOPMed 0.00008.

Submissions (6):

PreventionGenetics, part of Exact Sciences
Classification: Uncertain significance for TCAP-related condition. Last evaluated: 2026-07-14. Review status: criteria provided, single submitter. Criteria: ACMG Guidelines, 2015. Collection method: clinical testing. Allele origin: germline.
Comment: The TCAP c.480G>A variant is predicted to result in the amino acid substitution p.Met160Ile. To our knowledge, this variant has not been reported in the literature. This variant is reported in 0.012% of alleles in individuals of African descent in gnomAD. At this time, the clinical significance of this variant is uncertain due to the absence of conclusive functional and genetic evidence.

Labcorp Genetics (formerly Invitae), Labcorp
Classification: Uncertain significance for Hypertrophic cardiomyopathy 25; Primary familial hypertrophic cardiomyopathy. Last evaluated: 2025-11-25. Review status: criteria provided, single submitter. Criteria: Invitae Variant Classification Sherloc (09022015). Collection method: clinical testing. Allele origin: germline.
Comment: This sequence change replaces methionine, which is neutral and non-polar, with isoleucine, which is neutral and non-polar, at codon 160 of the TCAP protein (p.Met160Ile). This variant is present in population databases (rs755395354, gnomAD 0.01%). This variant has not been reported in the literature in individuals affected with TCAP-related conditions. ClinVar contains an entry for this variant (Variation ID: 430120). An algorithm developed to predict the effect of missense changes on protein structure and function (PolyPhen-2) suggests that this variant is likely to be tolerated. In summary, the available evidence is currently insufficient to determine the role of this variant in disease. Therefore, it has been classified as a Variant of Uncertain Significance.

Ambry Genetics
Classification: Uncertain significance for Cardiovascular phenotype. Last evaluated: 2025-10-02. Review status: criteria provided, single submitter. Criteria: Ambry Variant Classification Scheme 2023. Collection method: clinical testing. Allele origin: germline.

GeneDx
Classification: Uncertain significance. Last evaluated: 2024-06-27. Review status: criteria provided, single submitter. Criteria: GeneDx Variant Classification Process June 2021. Collection method: clinical testing. Allele origin: germline. Affected: yes.
Comment: Has not been previously published as pathogenic or benign to our knowledge; Missense variants in this gene are a common cause of disease and they are underrepresented in the general population; In silico analysis indicates that this missense variant does not alter protein structure/function; This variant is associated with the following publications: (PMID: 16490376)

Mayo Clinic Laboratories, Mayo Clinic
Classification: Uncertain significance. Last evaluated: 2023-08-09. Review status: criteria provided, single submitter. Criteria: ACMG Guidelines, 2015. Collection method: clinical testing. Allele origin: germline. Observed: 1 variant allele.

CHEO Genetics Diagnostic Laboratory, Children's Hospital of Eastern Ontario
Classification: Uncertain significance for Cardiomyopathy. Last evaluated: 2017-11-29. Review status: criteria provided, single submitter. Criteria: ACMG Guidelines, 2015. Collection method: clinical testing. Allele origin: germline.